The following is an entry in ClinVar:

NM_001447.3(FAT2):c.4207G>A (p.Val1403Ile)

Genes: FAT2 (FAT atypical cadherin 2; minus strand), SLC36A1 (solute carrier family 36 member 1; plus strand). Cytogenetic location: 5q33.1.
Variant type: single nucleotide variant.
Coding change: c.4207G>A on transcript NM_001447.3 (MANE Select); coding-DNA position 4207, G replaced by A.
Protein change: p.Val1403Ile; replaces valine 1403 with isoleucine.
Molecular consequence: missense variant.
Genome position (GRCh38, 1-based): chr5:151,551,556, C>T on the plus strand (G>A on the coding strand, the complement: FAT2 is on the minus strand). VCF-style: chr5-151551556-C-T. GRCh37 (hg19) VCF-style: chr5-150931117-C-T.
Other names: short protein forms V1403I.
Identifiers: ClinVar variation 3093113 (VCV003093113.4), dbSNP rs751421723, ClinGen allele CA3521605.

ClinVar aggregate classification (germline): Conflicting classifications of pathogenicity. Review status: criteria provided, conflicting classifications (1 of 4 stars). 3 submissions from 3 submitters: Uncertain significance (2); Likely benign (1). Last evaluated 2026-02-10.

Allele frequency attached by ClinVar (database versions not stated): ExAC 0.00002; gnomAD 0.00003; TOPMed 0.00004; gnomAD exomes 0.00005.
gnomAD v4.1: 76 of 1,614,084 alleles (0.0047%); highest among the groups gnomAD compares: Admixed American, 0.027%; no homozygotes.

Submissions (3):

Women's Health and Genetics/Laboratory Corporation of America, LabCorp
Classification: Uncertain significance. Last evaluated: 2026-02-10. Review status: criteria provided, single submitter. Criteria: LabCorp Variant Classification Summary - May 2015. Collection method: clinical testing. Allele origin: germline.
Comment: Variant summary: FAT2 c.4207G>A (p.Val1403Ile) results in a conservative amino acid change in the encoded protein sequence. Algorithms developed to predict the effect of missense changes on protein structure and function all suggest that this variant is likely to be tolerated. The variant allele was found at a frequency of 5.2e-05 in 251148 control chromosomes. This frequency is not significantly higher than estimated for disease-causing variants in FAT2, allowing no conclusion about variant significance. To our knowledge, no occurrence of c.4207G>A in individuals affected with FAT2-related conditions and no experimental evidence demonstrating its impact on protein function have been reported. ClinVar contains an entry for this variant (Variation ID: 3093113). Based on the evidence outlined above, the variant was classified as uncertain significance.

Labcorp Genetics (formerly Invitae), Labcorp
Classification: Uncertain significance. Last evaluated: 2025-10-09. Review status: criteria provided, single submitter. Criteria: Invitae Variant Classification Sherloc (09022015). Collection method: clinical testing. Allele origin: germline.
Comment: This sequence change replaces valine, which is neutral and non-polar, with isoleucine, which is neutral and non-polar, at codon 1403 of the FAT2 protein (p.Val1403Ile). The frequency data for this variant in the population databases is considered unreliable, as metrics indicate poor data quality at this position in the gnomAD database. This variant has not been reported in the literature in individuals affected with FAT2-related conditions. ClinVar contains an entry for this variant (Variation ID: 3093113). An algorithm developed to predict the effect of missense changes on protein structure and function outputs the following: PolyPhen-2: "Benign". The isoleucine amino acid residue is found in multiple mammalian species, which suggests that this missense change does not adversely affect protein function. In summary, the available evidence is currently insufficient to determine the role of this variant in disease. Therefore, it has been classified as a Variant of Uncertain Significance.

Ambry Genetics
Classification: Likely benign. Last evaluated: 2023-03-02. Review status: criteria provided, single submitter. Criteria: Ambry Variant Classification Scheme 2023. Collection method: clinical testing. Allele origin: germline.